The following is an entry in ClinVar:

NM_000276.4(OCRL):c.2256+4A>G

Gene: OCRL (OCRL inositol polyphosphate-5-phosphatase; plus strand). Cytogenetic location: Xq26.1.
Variant type: single nucleotide variant.
Coding change: c.2256+4A>G on transcript NM_000276.4 (MANE Select); 4 bases into the intron after coding-DNA position 2256, A replaced by G.
Molecular consequence: intron variant.
Genome position (GRCh38, 1-based): chrX:129,587,122, A>G. VCF-style: chrX-129587122-A-G. GRCh37 (hg19) VCF-style: chrX-128721099-A-G.
Other names: c.2259+4A>G (NM_001318784.2); c.2232+4A>G (NM_001587.4).
Identifiers: ClinVar variation 4750571 (VCV004750571.1).

ClinVar aggregate classification (germline): Uncertain significance (1 of 4 stars; one submission).

Conditions:
Lowe syndrome (OCRL). Also called: LOWE OCULOCEREBRORENAL SYNDROME; PHOSPHATIDYLINOSITOL 4,5-BISPHOSPHATE 5-PHOSPHATASE DEFICIENCY; Oculocerebrorenal Syndrome. Identifiers: Orphanet 534, MedGen C0028860, MONDO:0010645, OMIM 309000.

gnomAD v4.1: 4 of 1,080,345 alleles (0.00037%); highest among the groups gnomAD compares: Non-Finnish European, 0.00052%; no homozygotes.

Submission:

Labcorp Genetics (formerly Invitae), Labcorp
Classification: Uncertain significance for Lowe syndrome. Last evaluated: 2025-11-27. Review status: criteria provided, single submitter. Criteria: Invitae Variant Classification Sherloc (09022015). Collection method: clinical testing. Allele origin: germline.
Comment: This sequence change falls in intron 20 of the OCRL gene. It does not directly change the encoded amino acid sequence of the OCRL protein. It affects a nucleotide within the consensus splice site. This variant is present in population databases (no rsID available, gnomAD 0.001%). This variant has not been reported in the literature in individuals affected with OCRL-related conditions. Variants that disrupt the consensus splice site are a relatively common cause of aberrant splicing (PMID: 17576681, 9536098). Algorithms developed to predict the effect of sequence changes on RNA splicing suggest that this variant is not likely to affect RNA splicing. In summary, the available evidence is currently insufficient to determine the role of this variant in disease. Therefore, it has been classified as a Variant of Uncertain Significance.

Literature cited by the submitters: PubMed 17576681; PubMed 9536098.